The following is an entry in ClinVar:

NM_015335.5(MED13L):c.374C>T (p.Ala125Val)

Gene: MED13L (mediator complex subunit 13L; minus strand). Cytogenetic location: 12q24.21.
Variant type: single nucleotide variant.
Coding change: c.374C>T on transcript NM_015335.5 (MANE Select); coding-DNA position 374, C replaced by T.
Protein change: p.Ala125Val; replaces alanine 125 with valine.
Molecular consequence: missense variant.
Genome position (GRCh38, 1-based): chr12:116,111,449, G>A on the plus strand (C>T on the coding strand, the complement: MED13L is on the minus strand). VCF-style: chr12-116111449-G-A. GRCh37 (hg19) VCF-style: chr12-116549254-G-A.
Other names: short protein forms A125V.
Identifiers: ClinVar variation 3252969 (VCV003252969.1), dbSNP rs2500383363.

ClinVar aggregate classification (germline): Likely pathogenic (1 of 4 stars; one submission).

gnomAD v4.1: 1 of 1,611,286 alleles (0.000062%); no homozygotes.

Submission:

GeneDx
Classification: Likely pathogenic. Last evaluated: 2024-06-13. Review status: criteria provided, single submitter. Criteria: GeneDx Variant Classification Process June 2021. Collection method: clinical testing. Allele origin: germline. Affected: yes.
Comment: Not observed at significant frequency in large population cohorts (gnomAD); In silico analysis supports that this missense variant has a deleterious effect on protein structure/function; Has not been previously published as pathogenic or benign to our knowledge